The following is an entry in ClinVar:

NM_058004.4(PI4KA):c.4682+4G>A

Gene: PI4KA (phosphatidylinositol 4-kinase alpha; minus strand). Cytogenetic location: 22q11.21.
Variant type: single nucleotide variant.
Coding change: c.4682+4G>A on transcript NM_058004.4 (MANE Select); 4 bases into the intron after coding-DNA position 4682, G replaced by A.
Molecular consequence: intron variant.
Genome position (GRCh38, 1-based): chr22:20,729,309, C>T on the plus strand (G>A on the coding strand, the complement: PI4KA is on the minus strand). VCF-style: chr22-20729309-C-T. GRCh37 (hg19) VCF-style: chr22-21083597-C-T.
Other names: c.4616+4G>A (NM_001362863.2); c.4589+4G>A (NM_001362862.2).
Identifiers: ClinVar variation 3898022 (VCV003898022.1).

ClinVar aggregate classification (germline): Uncertain significance (1 of 4 stars; one submission).

Conditions:
Spastic paraplegia 84, autosomal recessive (SPG84). Identifiers: Orphanet 631079, MedGen C5562025, MONDO:0030482, OMIM 619621.

gnomAD v4.1: 15 of 1,611,380 alleles (0.00093%); highest among the groups gnomAD compares: Middle Eastern, 0.017%; no homozygotes.

Submission:

Neuberg Centre For Genomic Medicine, NCGM
Classification: Uncertain significance for Spastic paraplegia 84, autosomal recessive. Last evaluated: 2024-02-01. Review status: criteria provided, single submitter. Criteria: ACMG Guidelines, 2015. Collection method: clinical testing. Allele origin: germline. Inheritance: Autosomal recessive inheritance.
Comment: The splice region variant c.4682+4G>A in PI4KA gene has not been previosuly reported as a pathogenic nor as a benign variant, to our knowledge. This variant is present with allele frequency of 0.004% in the gnomAD Exomes. It has not been submitted to the ClinVar database. This variant is predicted to be Benign by SpliceAI prediction tool. This splice region variant in intron 39 affects the position four nucleotides downstream of exon 38. For these reasons, this variant has been classified as Variant of Uncertain Significance